The following is an entry in ClinVar:

NM_139284.3(LGI4):c.1314C>T (p.Asp438=)

Gene: LGI4 (leucine rich repeat LGI family member 4; minus strand). Cytogenetic location: 19q13.12.
Variant type: single nucleotide variant.
Coding change: c.1314C>T on transcript NM_139284.3 (MANE Select); coding-DNA position 1314, C replaced by T.
Protein change: p.Asp438=; no amino-acid change (aspartic acid 438 retained).
Molecular consequence: synonymous variant.
Genome position (GRCh38, 1-based): chr19:35,125,493, G>A on the plus strand (C>T on the coding strand, the complement: LGI4 is on the minus strand). VCF-style: chr19-35125493-G-A. GRCh37 (hg19) VCF-style: chr19-35616397-G-A.
Identifiers: ClinVar variation 3034818 (VCV003034818.2), dbSNP rs779516643, ClinGen allele CA9373110.
Genomic context (GRCh38, chr19:35,125,493, plus strand): 5'-TGGCTGGAAGACGTGGGCACCGCGCGAGGGAAGTTGCTGCAGCAGACGAAACATGGAGCC[G>A]TCCCAGCGCATGACCTGTGGGGGTGTGGCCAGTGAGGGCCTGGGGTCCCGGGGGTCTCTG-3'
Protein context (NP_644813.1, residues 428-448): YIGDSMVMRW[Asp438=]GSMFRLLQQL

ClinVar aggregate classification (germline): Likely benign (0 of 4 stars; one submission).

Conditions:
LGI4-related disorder. Also called: LGI4-related condition.

Allele frequency attached by ClinVar (database versions not stated): gnomAD 0.00001; TOPMed 0.00006; ExAC 0.00007.

Submission:

PreventionGenetics, part of Exact Sciences
Classification: Likely benign for LGI4-related condition. Last evaluated: 2019-08-13. Review status: no assertion criteria provided. Collection method: clinical testing. Allele origin: germline.
Comment: This variant is classified as likely benign based on ACMG/AMP sequence variant interpretation guidelines (Richards et al. 2015 PMID: 25741868, with internal and published modifications).